The following is an entry in ClinVar:

ClinVar aggregate classification (germline): Benign/Likely benign. Review status: criteria provided, multiple submitters, no conflicts (2 of 4 stars). 3 submissions from 3 submitters: Benign (1); Likely benign (2). Last evaluated 2026-02-02.

Conditions:
Severe combined immunodeficiency due to DNA-PKcs deficiency. Also called: IMMUNODEFICIENCY 26 WITH NEUROLOGIC ABNORMALITIES; Immunodeficiency 26 with or without neurologic abnormalities. Identifiers: Orphanet 317425, MedGen C4014833, MONDO:0014423, OMIM 615966.

Allele frequency attached by ClinVar (database versions not stated): ESP Exome Variant Server 0.00576; 1000 Genomes Project 0.00619; 1000 Genomes Project 30x 0.00687; gnomAD exomes 0.00133; ExAC 0.00206; gnomAD 0.00486 and 0.00528; TOPMed 0.00547.
gnomAD v4.1: 1,568 of 1,611,454 alleles (0.097%); highest among the groups gnomAD compares: African/African-American, 1.8%; 12 homozygotes.

Submissions (3):

Labcorp Genetics (formerly Invitae), Labcorp
Classification: Benign for Severe combined immunodeficiency due to DNA-PKcs deficiency. Last evaluated: 2026-02-02. Review status: criteria provided, single submitter. Criteria: Invitae Variant Classification Sherloc (09022015). Collection method: clinical testing. Allele origin: germline.

Blueprint Genetics
Classification: Likely benign. Last evaluated: 2024-10-02. Review status: criteria provided, single submitter. Criteria: ACMG Guidelines, 2015. Collection method: clinical testing. Allele origin: germline.

GeneDx
Classification: Likely benign. Last evaluated: 2017-01-24. Review status: criteria provided, single submitter. Criteria: GeneDx Variant Classification (06012015). Collection method: clinical testing. Allele origin: germline. Affected: yes.
Comment: This variant is considered likely benign or benign based on one or more of the following criteria: it is a conservative change, it occurs at a poorly conserved position in the protein, it is predicted to be benign by multiple in silico algorithms, and/or has population frequency not consistent with disease.

NM_006904.7(PRKDC):c.8661C>T (p.Pro2887=)

Genes: PRKDC (protein kinase, DNA-activated, catalytic subunit; minus strand), LOC121740717 (Sharpr-MPRA regulatory region 7649; plus strand). Cytogenetic location: 8q11.21.
Variant type: single nucleotide variant.
Coding change: c.8661C>T on transcript NM_006904.7 (MANE Select); coding-DNA position 8661, C replaced by T.
Protein change: p.Pro2887=; no amino-acid change (proline 2887 retained).
Molecular consequence: synonymous variant.
Genome position (GRCh38, 1-based): chr8:47,826,778, G>A on the plus strand (C>T on the coding strand, the complement: PRKDC is on the minus strand). VCF-style: chr8-47826778-G-A. GRCh37 (hg19) VCF-style: chr8-48739339-G-A.
Other names: c.8661C>T, p.Pro2887= (NM_001081640.2).
Identifiers: ClinVar variation 475240 (VCV000475240.12), dbSNP rs78163867, ClinGen allele CA4739770.
Genomic context (GRCh38, chr8:47,826,778, plus strand): 5'-GGCAGGCAGCTCAGCAGGCAGCAGGCGGAGCAGAGCCTCCTCTAGCAGGCGGATGCCCAC[G>A]GGCTGCTGTAGGCTGGCCAGGCAACCAGCGCTAACAGCCGCTGGGTCGAGGCTCAGCAGG-3'
Protein context (NP_008835.5, residues 2877-2897): SAGCLASLQQ[Pro2887=]VGIRLLEEAL